The following is an entry in ClinVar:

NM_014363.6(SACS):c.10461_10462delinsAA (p.Asn3487_Leu3488delinsLysIle)

Gene: SACS (sacsin molecular chaperone; minus strand). Cytogenetic location: 13q12.12.
Variant type: Indel.
Coding change: c.10461_10462delinsAA on transcript NM_014363.6 (MANE Select); coding-DNA positions 10461 to 10462, TC replaced by AA.
Protein change: p.Asn3487_Leu3488delinsLysIle.
Molecular consequence: missense variant.
Genome position (GRCh38, 1-based): chr13:23,333,414-23,333,415, GA replaced by TT on the plus strand (TC replaced by AA on the coding strand, the reverse complement: SACS is on the minus strand). VCF-style: chr13-23333414-GA-TT. GRCh37 (hg19) VCF-style: chr13-23907553-GA-TT.
Other names: c.10020_10021delinsAA, p.Asn3340_Leu3341delinsLysIle (NM_001278055.2).
Identifiers: ClinVar variation 288176 (VCV000288176.9), dbSNP rs886043821, ClinGen allele CA10605992.

ClinVar aggregate classification (germline): Uncertain significance. Review status: criteria provided, multiple submitters, no conflicts (2 of 4 stars). 3 submissions from 3 submitters: Uncertain significance (3). Last evaluated 2021-09-05.

Conditions:
Charlevoix-Saguenay spastic ataxia (SACS). Also called: AUTOSOMAL RECESSIVE SPASTIC ATAXIA OF CHARLEVOIX-SAGUENAY; SPASTIC ATAXIA 6, AUTOSOMAL RECESSIVE; Spastic ataxia of Charlevoix-Saguenay. Identifiers: Orphanet 98, MedGen C1849140, MONDO:0010041, OMIM 270550.

Submissions (3):

Genome-Nilou Lab
Classification: Uncertain significance for Charlevoix-Saguenay spastic ataxia. Last evaluated: 2021-09-05. Review status: criteria provided, single submitter. Criteria: ACMG Guidelines, 2015. Collection method: clinical testing. Allele origin: germline. Affected: no.

GeneDx
Classification: Uncertain significance. Last evaluated: 2019-06-04. Review status: criteria provided, single submitter. Criteria: GeneDx Variant Classification Process June 2021. Collection method: clinical testing. Allele origin: germline. Affected: yes.
Comment: In silico analysis, which includes protein predictors and evolutionary conservation, supports that this variant does not alter protein structure/function; Has not been previously published as pathogenic or benign to our knowledge

Eurofins Ntd Llc (ga)
Classification: Uncertain significance. Last evaluated: 2016-06-15. Review status: criteria provided, single submitter. Criteria: EGL Classification Definitions 2015. Collection method: clinical testing. Allele origin: germline. Observed: 1 variant allele, 1 heterozygote.